The following is an entry in ClinVar:

ClinVar aggregate classification (germline): Uncertain significance. Review status: criteria provided, multiple submitters, no conflicts (2 of 4 stars). 2 submissions from 2 submitters: Uncertain significance (2). Last evaluated 2025-02-25.

Conditions:
Inborn genetic diseases. Identifiers: MedGen C0950123, MeSH D030342.

Allele frequency attached by ClinVar (database versions not stated): gnomAD 0.00001; ESP Exome Variant Server 0.00008; ExAC 0.00001; TOPMed 0.00002; gnomAD exomes 0.00003.
gnomAD v4.1: 22 of 1,579,698 alleles (0.0014%); highest among the groups gnomAD compares: South Asian, 0.007%; no homozygotes.

Submissions (2):

Ambry Genetics
Classification: Uncertain significance for Inborn genetic diseases. Last evaluated: 2025-02-25. Review status: criteria provided, single submitter. Criteria: Ambry Variant Classification Scheme 2023. Collection method: clinical testing. Allele origin: germline.

Labcorp Genetics (formerly Invitae), Labcorp
Classification: Uncertain significance. Last evaluated: 2024-03-03. Review status: criteria provided, single submitter. Criteria: Invitae Variant Classification Sherloc (09022015). Collection method: clinical testing. Allele origin: germline.
Comment: This sequence change replaces glutamic acid, which is acidic and polar, with lysine, which is basic and polar, at codon 279 of the FAT4 protein (p.Glu279Lys). This variant is present in population databases (rs373298045, gnomAD 0.008%). This variant has not been reported in the literature in individuals affected with FAT4-related conditions. ClinVar contains an entry for this variant (Variation ID: 1498451). Advanced modeling of protein sequence and biophysical properties (such as structural, functional, and spatial information, amino acid conservation, physicochemical variation, residue mobility, and thermodynamic stability) performed at Invitae indicates that this missense variant is not expected to disrupt FAT4 protein function with a negative predictive value of 95%. In summary, the available evidence is currently insufficient to determine the role of this variant in disease. Therefore, it has been classified as a Variant of Uncertain Significance.

NM_001291303.3(FAT4):c.835G>A (p.Glu279Lys)

Gene: FAT4 (FAT atypical cadherin 4; plus strand). Cytogenetic location: 4q28.1.
Variant type: single nucleotide variant.
Coding change: c.835G>A on transcript NM_001291303.3 (MANE Select); coding-DNA position 835, G replaced by A.
Protein change: p.Glu279Lys; replaces glutamic acid 279 with lysine.
Molecular consequence: missense variant.
Genome position (GRCh38, 1-based): chr4:125,317,246, G>A. VCF-style: chr4-125317246-G-A. GRCh37 (hg19) VCF-style: chr4-126238401-G-A.
Other names: c.835G>A, p.Glu279Lys (NM_001291285.3, NM_024582.6); c.835G>A (NM_024582.4); short protein forms E279K.
Identifiers: ClinVar variation 1498451 (VCV001498451.7), dbSNP rs373298045, ClinGen allele CA3071875.